The following is an entry in ClinVar:

NM_018026.4(PACS1):c.978+1G>A

Gene: PACS1 (phosphofurin acidic cluster sorting protein 1; plus strand). Cytogenetic location: 11q13.2.
Variant type: single nucleotide variant.
Coding change: c.978+1G>A on transcript NM_018026.4 (MANE Select); the canonical splice donor site of the intron after coding-DNA position 978, G replaced by A.
Molecular consequence: splice donor variant.
Genome position (GRCh38, 1-based): chr11:66,216,776, G>A. VCF-style: chr11-66216776-G-A. GRCh37 (hg19) VCF-style: chr11-65984247-G-A.
Identifiers: ClinVar variation 2965891 (VCV002965891.3), dbSNP rs2495551684, ClinGen allele CA381351823.
Genomic context (GRCh38, chr11:66,216,776, plus strand): 5'-GATCTCCGGAAAGTGAAGAAGACCCGGAGGAAACTAACCTCAACCTCTGCCATCACAAGG[G>A]TGAGCCTCAAAGGTCTGGGGAGTGGTTGGCTAAGATTTTCAGTCTGGGGGTAGGTTGGCA-3'

ClinVar aggregate classification (germline): Uncertain significance (1 of 4 stars; one submission).

Conditions:
Schuurs-Hoeijmakers syndrome. Also called: PACS1-Related Neurodevelopmental Disorder. Identifiers: Orphanet 329224, MedGen C3554343, MONDO:0014006, OMIM 615009.

Submission:

Labcorp Genetics (formerly Invitae), Labcorp
Classification: Uncertain significance for Schuurs-Hoeijmakers syndrome. Last evaluated: 2023-08-03. Review status: criteria provided, single submitter. Criteria: Invitae Variant Classification Sherloc (09022015). Collection method: clinical testing. Allele origin: germline.
Comment: In summary, the available evidence is currently insufficient to determine the role of this variant in disease. Therefore, it has been classified as a Variant of Uncertain Significance. Algorithms developed to predict the effect of sequence changes on RNA splicing suggest that this variant may disrupt the consensus splice site. This variant has not been reported in the literature in individuals affected with PACS1-related conditions. This variant is not present in population databases (gnomAD no frequency). This sequence change affects a donor splice site in intron 7 of the PACS1 gene. It is expected to disrupt RNA splicing. Variants that disrupt the donor or acceptor splice site typically lead to a loss of protein function (PMID: 16199547), however the current clinical and genetic evidence is not sufficient to establish whether loss-of-function variants in PACS1 cause disease.

Literature cited by the submitters: PubMed 16199547.